The following is an entry in ClinVar:

ClinVar aggregate classification (germline): Conflicting classifications of pathogenicity. Review status: criteria provided, conflicting classifications (1 of 4 stars). 9 submissions from 9 submitters: Uncertain significance (7); Likely benign (2). Last evaluated 2026-07-13.

Conditions:
Familial thoracic aortic aneurysm and aortic dissection (TAAD). Also called: Thoracic aortic aneurysms and dissections. Identifiers: Orphanet 91387, MedGen C4707243, MONDO:0019625.
Hereditary cancer-predisposing syndrome. Also called: Neoplastic Syndromes, Hereditary; Hereditary Cancer Syndrome; Tumor predisposition; Hereditary neoplastic syndrome. Identifiers: Orphanet 140162, MedGen C0027672, MeSH D009386, MONDO:0015356.
Juvenile polyposis syndrome (JPS). Identifiers: Orphanet 2929, MedGen C0345893, MONDO:0017380, OMIM 174900.
Juvenile polyposis/hereditary hemorrhagic telangiectasia syndrome (JPHT). Also called: Juvenile Polyposis Syndrome / Hereditary Hemorrhagic Telangiectasia (JPS/HHT); JP/HHT SYNDROME; JUVENILE POLYPOSIS WITH HEREDITARY HEMORRHAGIC TELANGIECTASIA; POLYPOSIS, GENERALIZED JUVENILE, WITH PULMONARY ARTERIOVENOUS MALFORMATION; TELANGIECTASIA, HEREDITARY HEMORRHAGIC, WITH JUVENILE POLYPOSIS COLI. Identifiers: Orphanet 2929, MedGen C1832942, MONDO:0008278, OMIM 175050.

Allele frequency attached by ClinVar (database versions not stated): gnomAD exomes below 0.00001 and 0.00001; gnomAD 0.00001; TOPMed 0.00002; ExAC 0.00001.
gnomAD v4.1: 5 of 1,612,126 alleles (0.00031%); highest among the groups gnomAD compares: Non-Finnish European, 0.00042%; no homozygotes.

Submissions (9):

Ambry Genetics
Classification: Likely benign for Hereditary cancer-predisposing syndrome; Familial thoracic aortic aneurysm and aortic dissection. Last evaluated: 2026-07-13. Review status: criteria provided, single submitter. Criteria: Ambry Variant Classification Scheme 2023. Collection method: clinical testing. Allele origin: germline.

Labcorp Genetics (formerly Invitae), Labcorp
Classification: Likely benign for Juvenile polyposis syndrome. Last evaluated: 2026-01-15. Review status: criteria provided, single submitter. Criteria: Invitae Variant Classification Sherloc (09022015). Collection method: clinical testing. Allele origin: germline.

Clinical Genomics Laboratory, Washington University in St. Louis
Classification: Uncertain significance for Juvenile polyposis/hereditary hemorrhagic telangiectasia syndrome. Last evaluated: 2024-08-09. Review status: criteria provided, single submitter. Criteria: ACMG Guidelines, 2015. Collection method: clinical testing. Allele origin: germline.
Comment: A SMAD4 c.940A>G (p.Ile314Val) variant was identified at a near heterozygous allelic fraction of 47.6%, a frequency which may be consistent with it being of germline origin. This variant has been reported as a somatic variant in a single case of lymphoid neoplasm in the cancer database COSMIC (Genomic Mutation ID: COSV61694502). This variant is only observed on 5/1,612,126 alleles in the general population (gnomAD v.4.1.0), indicating it is not a common variant. The SMAD4 c.940A>G (p.Ile314Val) variant has been reported in the ClinVar database as a variant of uncertain significance by eight submitters (ClinVar ID: 183879). Computational predictors are uncertain as to the impact of this variant on SMAD4 function. Due to limited information, and based on ACMG/AMP guidelines for variant interpretation (Richards S et al., PMID: 25741868), the clinical significance of the SMAD4 c.940A>G (p.Ile314Val) variant is uncertain at this time.

Color Diagnostics, LLC DBA Color Health
Classification: Uncertain significance for Hereditary cancer-predisposing syndrome. Last evaluated: 2024-06-24. Review status: criteria provided, single submitter. Criteria: ACMG Guidelines, 2015. Collection method: clinical testing. Allele origin: germline.
Comment: This missense variant replaces isoleucine with valine at codon 314 of the SMAD4 protein. Computational prediction suggests that this variant may not impact protein structure and function (internally defined REVEL score threshold <= 0.5, PMID: 27666373). To our knowledge, functional studies have not been reported for this variant. This variant has not been reported in individuals affected with SMAD4-related disorders in the literature. This variant has been identified in 1/251388 chromosomes in the general population by the Genome Aggregation Database (gnomAD). The available evidence is insufficient to determine the role of this variant in disease conclusively. Therefore, this variant is classified as a Variant of Uncertain Significance.

GeneDx
Classification: Uncertain significance. Last evaluated: 2024-01-31. Review status: criteria provided, single submitter. Criteria: GeneDx Variant Classification Process June 2021. Collection method: clinical testing. Allele origin: germline.
Comment: Has not been previously published as pathogenic or benign to our knowledge; Not observed at significant frequency in large population cohorts (gnomAD); In silico analysis supports that this missense variant does not alter protein structure/function; This variant is associated with the following publications: (PMID: 10636916)

Baylor Genetics
Classification: Uncertain significance for Juvenile polyposis/hereditary hemorrhagic telangiectasia syndrome. Last evaluated: 2023-10-16. Review status: criteria provided, single submitter. Criteria: ACMG Guidelines, 2015. Collection method: clinical testing. Allele origin: unknown.

All of Us Research Program, National Institutes of Health
Classification: Uncertain significance for Juvenile polyposis/hereditary hemorrhagic telangiectasia syndrome. Last evaluated: 2023-08-15. Review status: criteria provided, single submitter. Criteria: ACMG Guidelines, 2015. Collection method: clinical testing. Allele origin: germline. Inheritance: Autosomal dominant inheritance. Observed: 6 variant alleles, 6 heterozygotes.
Comment: This missense variant replaces isoleucine with valine at codon 314 of the SMAD4 protein. Computational prediction suggests that this variant may not impact protein structure and function (internally defined REVEL score threshold <= 0.5, PMID: 27666373). Splice site prediction tools suggest that this variant may not impact RNA splicing. To our knowledge, functional studies have not been performed for this variant. This variant has not been reported in individuals affected with hereditary cancer in the literature. This variant has been identified in 1/251388 chromosomes in the general population by the Genome Aggregation Database (gnomAD). The available evidence is insufficient to determine the role of this variant in disease conclusively. Therefore, this variant is classified as a Variant of Uncertain Significance.

This study involves interpretation of variants in research participants for the purpose of population health screening. Participant phenotype was not available at the time of variant classification. Additional details can be found in publication PMID: 35346344, PMCID: PMC8962531

Mayo Clinic Laboratories, Mayo Clinic
Classification: Uncertain significance. Last evaluated: 2022-04-19. Review status: criteria provided, single submitter. Criteria: ACMG Guidelines, 2015. Collection method: clinical testing. Allele origin: germline. Observed: 2 variant alleles.
Comment: BP5

Sema4
Classification: Uncertain significance for Hereditary cancer-predisposing syndrome. Last evaluated: 2022-01-14. Review status: criteria provided, single submitter. Criteria: Sema4 Curation Guidelines. Collection method: curation. Allele origin: germline.
Comment: The SMAD4 c.940A>G (p.I314V) variant has not been reported in the literature to our knowledge. It was observed in 1/113694 chromosomes of the Non-Finnish European subpopulation in the large and broad cohorts of the Genome Aggregation Database (PMID: 32461654). This variant has been reported in ClinVar (Variation ID 183879). Functional studies have not been performed, and in silico predictions of the variant's effect on protein function are inconclusive. The evidence is insufficient to meet ACMG/AMP criteria for classifying the variant as benign or pathogenic. Thus, the clinical significance of this variant is currently uncertain.

NM_005359.6(SMAD4):c.940A>G (p.Ile314Val)

Gene: SMAD4 (SMAD family member 4; plus strand). Cytogenetic location: 18q21.2.
Variant type: single nucleotide variant.
Coding change: c.940A>G on transcript NM_005359.6 (MANE Select); coding-DNA position 940, A replaced by G.
Protein change: p.Ile314Val; replaces isoleucine 314 with valine.
Molecular consequence: missense variant.
Genome position (GRCh38, 1-based): chr18:51,059,901, A>G. VCF-style: chr18-51059901-A-G. GRCh37 (hg19) VCF-style: chr18-48586271-A-G.
Other names: p.Ile314Val; short protein forms I314V.
Identifiers: ClinVar variation 183879 (VCV000183879.30), dbSNP rs748622028, ClinGen allele CA186851.